The following is an entry in ClinVar:

NM_005391.5(PDK3):c.220C>T (p.Arg74Cys)

Gene: PDK3 (pyruvate dehydrogenase kinase 3; plus strand). Cytogenetic location: Xp22.11.
Variant type: single nucleotide variant.
Coding change: c.220C>T on transcript NM_005391.5 (MANE Select); coding-DNA position 220, C replaced by T.
Protein change: p.Arg74Cys; replaces arginine 74 with cysteine.
Molecular consequence: missense variant.
Genome position (GRCh38, 1-based): chrX:24,494,855, C>T. VCF-style: chrX-24494855-C-T. GRCh37 (hg19) VCF-style: chrX-24512972-C-T.
Other names: c.220C>T, p.Arg74Cys (NM_001142386.3); short protein forms R74C.
Identifiers: ClinVar variation 2145302 (VCV002145302.4), dbSNP rs2518575121, ClinGen allele CA412604280.

ClinVar aggregate classification (germline): Uncertain significance (1 of 4 stars; one submission).

Conditions:
Charcot-Marie-Tooth disease X-linked dominant 6. Also called: CHARCOT-MARIE-TOOTH NEUROPATHY, X-LINKED DOMINANT, 6. Identifiers: Orphanet 352675, MedGen C3806702, MONDO:0010479, OMIM 300905.

Submission:

Labcorp Genetics (formerly Invitae), Labcorp
Classification: Uncertain significance for Charcot-Marie-Tooth disease X-linked dominant 6. Last evaluated: 2022-03-24. Review status: criteria provided, single submitter. Criteria: Invitae Variant Classification Sherloc (09022015). Collection method: clinical testing. Allele origin: germline.
Comment: This sequence change replaces arginine, which is basic and polar, with cysteine, which is neutral and slightly polar, at codon 74 of the PDK3 protein (p.Arg74Cys). This variant is not present in population databases (gnomAD no frequency). This variant has not been reported in the literature in individuals affected with PDK3-related conditions. In summary, the available evidence is currently insufficient to determine the role of this variant in disease. Therefore, it has been classified as a Variant of Uncertain Significance. Algorithms developed to predict the effect of missense changes on protein structure and function are either unavailable or do not agree on the potential impact of this missense change (SIFT: "Deleterious"; PolyPhen-2: "Possibly Damaging"; Align-GVGD: "Class C15").